The following is an entry in ClinVar:

ClinVar aggregate classification (germline): Uncertain significance (1 of 4 stars; one submission).

Conditions:
Neuropathy, hereditary sensory and autonomic, type 2A (HSAN2A). Also called: ACROOSTEOLYSIS, GIACCAI TYPE; ACROOSTEOLYSIS, NEUROGENIC; MORVAN DISEASE; NEUROPATHY, CONGENITAL SENSORY; NEUROPATHY, HEREDITARY SENSORY RADICULAR, AUTOSOMAL RECESSIVE; NEUROPATHY, HEREDITARY SENSORY, TYPE IIA. Identifiers: Orphanet 970, MedGen C2752089, MONDO:0024309, OMIM 201300.
Pseudohypoaldosteronism type 2C (PHA2C). Also called: Pseudohypoaldosteronism Type IIC. Identifiers: Orphanet 757, Orphanet 88940, MedGen C1840391, MONDO:0013778, OMIM 614492.

Allele frequency attached by ClinVar (database versions not stated): gnomAD 0.00001.
gnomAD v4.1: 1 of 1,613,902 alleles (0.000062%); highest among the groups gnomAD compares: Non-Finnish European, 0.000085%; no homozygotes.

Submission:

Labcorp Genetics (formerly Invitae), Labcorp
Classification: Uncertain significance for Neuropathy, hereditary sensory and autonomic, type 2A; Pseudohypoaldosteronism type 2C. Last evaluated: 2022-05-26. Review status: criteria provided, single submitter. Criteria: Invitae Variant Classification Sherloc (09022015). Collection method: clinical testing. Allele origin: germline.
Comment: This variant is not present in population databases (gnomAD no frequency). In summary, the available evidence is currently insufficient to determine the role of this variant in disease. Therefore, it has been classified as a Variant of Uncertain Significance. Advanced modeling of protein sequence and biophysical properties (such as structural, functional, and spatial information, amino acid conservation, physicochemical variation, residue mobility, and thermodynamic stability) performed at Invitae indicates that this missense variant is not expected to disrupt WNK1 protein function. This variant has not been reported in the literature in individuals affected with WNK1-related conditions. This sequence change replaces proline, which is neutral and non-polar, with serine, which is neutral and polar, at codon 833 of the WNK1 protein (p.Pro833Ser).

NM_213655.5(WNK1):c.2497C>T (p.Pro833Ser)

Gene: WNK1 (WNK lysine deficient protein kinase 1; plus strand). Cytogenetic location: 12p13.33.
Variant type: single nucleotide variant.
Coding change: c.2497C>T on transcript NM_213655.5 (MANE Plus Clinical); coding-DNA position 2497, C replaced by T.
Protein change: p.Pro833Ser; replaces proline 833 with serine.
Molecular consequence: missense variant. On other transcripts: intron variant (2).
Genome position (GRCh38, 1-based): chr12:867,968, C>T. VCF-style: chr12-867968-C-T. GRCh37 (hg19) VCF-style: chr12-977134-C-T.
Other names: c.2242C>T, p.Pro748Ser (NM_001184985.2); c.2140-3297C>T (NM_018979.4, NM_014823.3); short protein forms P748S, P833S.
Identifiers: ClinVar variation 1999140 (VCV001999140.4), dbSNP rs891722038, ClinGen allele CA383338899.